The following is an entry in ClinVar:

NM_000186.4(CFH):c.351-61G>A

Gene: CFH (complement factor H; plus strand). Cytogenetic location: 1q31.3.
Variant type: single nucleotide variant.
Coding change: c.351-61G>A on transcript NM_000186.4 (MANE Select); 61 bases into the intron before coding-DNA position 351, G replaced by A.
Molecular consequence: intron variant.
Genome position (GRCh38, 1-based): chr1:196,675,928, G>A. VCF-style: chr1-196675928-G-A. GRCh37 (hg19) VCF-style: chr1-196645058-G-A.
Other names: c.351-61G>A (NM_001014975.3).
Identifiers: ClinVar variation 4291674 (VCV004291674.2).

ClinVar aggregate classification (germline): Likely benign (1 of 4 stars; one submission).

Conditions:
Age related macular degeneration 4. Identifiers: MedGen C1853147, MONDO:0012540, OMIM 610698.

gnomAD v4.1: 18 of 1,036,018 alleles (0.0017%); highest among the groups gnomAD compares: East Asian, 0.024%; no homozygotes.

Submission:

Genomenon, Inc
Classification: Likely benign for Age related macular degeneration 4. Last evaluated: 2026-09-17. Review status: criteria provided, single submitter. Criteria: Genomenon Sequence Variant Interpretation Standards - Updated. Collection method: curation. Allele origin: germline. Affected: yes.
Comment: CFH c.351-61G>A is an intronic variant located in intron 3. This variant has been observed in at least one proband affected with age-related macular degeneration (PMID: 18421087). It is absent or not present at a significant frequency in gnomAD. This variant is not predicted to impact splicing. In conclusion, we classify CFH c.351-61G>A as a likely benign variant.

Literature cited by the submitters: PubMed 18421087.